The following is an entry in ClinVar:

NM_001429.4(EP300):c.1372C>T (p.Gln458Ter)

Gene: EP300 (E1A binding protein p300; plus strand). Cytogenetic location: 22q13.2.
Variant type: single nucleotide variant.
Coding change: c.1372C>T on transcript NM_001429.4 (MANE Select); coding-DNA position 1372, C replaced by T.
Protein change: p.Gln458Ter; replaces glutamine 458 with a stop codon.
Molecular consequence: nonsense.
Genome position (GRCh38, 1-based): chr22:41,131,477, C>T. VCF-style: chr22-41131477-C-T. GRCh37 (hg19) VCF-style: chr22-41527481-C-T.
Other names: c.1372C>T, p.Gln458Ter (NM_001362843.2); short protein forms Q458*.
Identifiers: ClinVar variation 3508825 (VCV003508825.1).

ClinVar aggregate classification (germline): Pathogenic (1 of 4 stars; one submission).

Conditions:
Inborn genetic diseases. Identifiers: MedGen C0950123, MeSH D030342.

Submission:

Ambry Genetics
Classification: Pathogenic for Inborn genetic diseases. Last evaluated: 2024-10-17. Review status: criteria provided, single submitter. Criteria: Ambry Variant Classification Scheme 2023. Collection method: clinical testing. Allele origin: germline.
Comment: The c.1372C>T (p.Q458*) alteration, located in exon 6 (coding exon 6) of the EP300 gene, consists of a C to T substitution at nucleotide position 1372. This changes the amino acid from a glutamine (Q) to a stop codon at amino acid position 458. This alteration is expected to result in loss of function by premature protein truncation or nonsense-mediated mRNA decay. This variant was not reported in population-based cohorts in the Genome Aggregation Database (gnomAD). Based on the available evidence, this alteration is classified as pathogenic.